The following is an entry in ClinVar:

NM_004260.4(RECQL4):c.3056-1G>A

Gene: RECQL4 (RecQ like helicase 4; minus strand). Cytogenetic location: 8q24.3.
Variant type: single nucleotide variant.
Coding change: c.3056-1G>A on transcript NM_004260.4 (MANE Select); the canonical splice acceptor site of the intron before coding-DNA position 3056, G replaced by A.
Molecular consequence: splice acceptor variant.
Genome position (GRCh38, 1-based): chr8:144,512,325, C>T on the plus strand (G>A on the coding strand, the complement: RECQL4 is on the minus strand). VCF-style: chr8-144512325-C-T. GRCh37 (hg19) VCF-style: chr8-145737708-C-T.
Other names: c.2927-1G>A (NM_001413025.1); c.2705-1G>A (NM_001413029.1); c.1919-1G>A (NM_001413032.1, NM_001413027.1, NM_001413030.1); c.1985-1G>A (NM_001413035.1, NM_001413040.1, NM_001413021.1 and 4 more transcripts); c.2762-1G>A (NM_001413017.1); c.2960-1G>A (NM_001413020.1); c.3026-1G>A (NM_001413039.1); c.2924-1G>A (NM_001413033.1); and 9 more.
Identifiers: ClinVar variation 2961213 (VCV002961213.3), dbSNP rs768685242, ClinGen allele CA4947942.

ClinVar aggregate classification (germline): Likely pathogenic (1 of 4 stars; one submission).

Conditions:
Baller-Gerold syndrome (BGS). Also called: CRANIOSYNOSTOSIS WITH RADIAL DEFECTS. Identifiers: Orphanet 1225, MedGen C0265308, MONDO:0009039, OMIM 218600.

Allele frequency attached by ClinVar (database versions not stated): ExAC 0.00001.

Submission:

Labcorp Genetics (formerly Invitae), Labcorp
Classification: Likely pathogenic for Baller-Gerold syndrome. Last evaluated: 2023-06-04. Review status: criteria provided, single submitter. Criteria: Invitae Variant Classification Sherloc (09022015). Collection method: clinical testing. Allele origin: germline.
Comment: Algorithms developed to predict the effect of sequence changes on RNA splicing suggest that this variant may disrupt the consensus splice site. In summary, the currently available evidence indicates that the variant is pathogenic, but additional data are needed to prove that conclusively. Therefore, this variant has been classified as Likely Pathogenic. This variant has not been reported in the literature in individuals affected with RECQL4-related conditions. This variant is present in population databases (rs768685242, gnomAD 0.0009%). This sequence change affects an acceptor splice site in intron 17 of the RECQL4 gene. It is expected to disrupt RNA splicing. Variants that disrupt the donor or acceptor splice site typically lead to a loss of protein function (PMID: 16199547), and loss-of-function variants in RECQL4 are known to be pathogenic (PMID: 12734318, 12952869).

Literature cited by the submitters: PubMed 16199547; PubMed 12734318; PubMed 12952869.